The following is an entry in ClinVar:

NM_001035.3(RYR2):c.4684-3T>C

Gene: RYR2 (ryanodine receptor 2; plus strand). Cytogenetic location: 1q43.
Variant type: single nucleotide variant.
Coding change: c.4684-3T>C on transcript NM_001035.3 (MANE Select); 3 bases into the intron before coding-DNA position 4684, T replaced by C.
Molecular consequence: intron variant.
Genome position (GRCh38, 1-based): chr1:237,610,759, T>C. VCF-style: chr1-237610759-T-C. GRCh37 (hg19) VCF-style: chr1-237774059-T-C.
Identifiers: ClinVar variation 2061755 (VCV002061755.1), dbSNP rs1677754784, ClinGen allele CA1013749561.
Genomic context (GRCh38, chr1:237,610,759, plus strand): 5'-ATTACTTTGTGAACCCCAAGGGATGTTCTACATTTATTCTTTTTCTGCCTCCCCATCCGC[T>C]AGAATGTGATGCCTCTCTCGGCGGGATTATTCAAGAGTGAGCACAAGAACCCCGTGCCGC-3'

ClinVar aggregate classification (germline): Uncertain significance (1 of 4 stars; one submission).

Conditions:
Catecholaminergic polymorphic ventricular tachycardia 1. Also called: RYR2-Related Catecholaminergic Polymorphic Ventricular Tachycardia; VENTRICULAR TACHYCARDIA, STRESS-INDUCED POLYMORPHIC 1; VENTRICULAR TACHYCARDIA, CATECHOLAMINERGIC POLYMORPHIC, 1, WITH OR WITHOUT ATRIAL DYSFUNCTION AND/OR DILATED CARDIOMYOPATHY. Identifiers: Orphanet 3286, MedGen C1631597, MONDO:0011484, OMIM 604772.

Allele frequency attached by ClinVar (database versions not stated): gnomAD exomes below 0.00001; gnomAD 0.00001.
gnomAD v4.1: 2 of 1,596,900 alleles (0.00013%); highest among the groups gnomAD compares: Non-Finnish European, 0.00017%; no homozygotes.

Submission:

Labcorp Genetics (formerly Invitae), Labcorp
Classification: Uncertain significance for Catecholaminergic polymorphic ventricular tachycardia 1. Last evaluated: 2022-08-24. Review status: criteria provided, single submitter. Criteria: Invitae Variant Classification Sherloc (09022015). Collection method: clinical testing. Allele origin: germline.
Comment: This sequence change falls in intron 35 of the RYR2 gene. It does not directly change the encoded amino acid sequence of the RYR2 protein. It affects a nucleotide within the consensus splice site. This variant is not present in population databases (gnomAD no frequency). This variant has not been reported in the literature in individuals affected with RYR2-related conditions. Variants that disrupt the consensus splice site are a relatively common cause of aberrant splicing (PMID: 17576681, 9536098). Algorithms developed to predict the effect of sequence changes on RNA splicing suggest that this variant is not likely to affect RNA splicing. In summary, the available evidence is currently insufficient to determine the role of this variant in disease. Therefore, it has been classified as a Variant of Uncertain Significance.

Literature cited by the submitters: PubMed 17576681; PubMed 9536098.